The following is an entry in ClinVar:

ClinVar aggregate classification (germline): Uncertain significance. Review status: criteria provided, multiple submitters, no conflicts (2 of 4 stars). 3 submissions from 3 submitters: Uncertain significance (3). Last evaluated 2025-08-27.

Conditions:
Hereditary cancer-predisposing syndrome. Also called: Neoplastic Syndromes, Hereditary; Hereditary Cancer Syndrome; Tumor predisposition; Hereditary neoplastic syndrome. Identifiers: Orphanet 140162, MedGen C0027672, MeSH D009386, MONDO:0015356.
Familial adenomatous polyposis 2. Also called: COLORECTAL ADENOMATOUS POLYPOSIS, AUTOSOMAL RECESSIVE; ADENOMAS, MULTIPLE COLORECTAL, AUTOSOMAL RECESSIVE; MUTYH-associated polyposis; MUTYH-related attenuated familial adenomatous polyposis; MUTYH Polyposis; Adenomas, multiple colorectal. Identifiers: Orphanet 220460, Orphanet 247798, MedGen C3272841, MONDO:0012041, OMIM 608456.

Allele frequency attached by ClinVar (database versions not stated): TOPMed below 0.00001.

Submissions (3):

Ambry Genetics
Classification: Uncertain significance for Hereditary cancer-predisposing syndrome. Last evaluated: 2025-08-27. Review status: criteria provided, single submitter. Criteria: Ambry Variant Classification Scheme 2023. Collection method: clinical testing. Allele origin: germline.
Comment: The p.Q160P variant (also known as c.479A>C), located in coding exon 6 of the MUTYH gene, results from an A to C substitution at nucleotide position 479. The glutamine at codon 160 is replaced by proline, an amino acid with similar properties. This amino acid position is conserved. In addition, the in silico prediction for this alteration is inconclusive. Based on the available evidence, the clinical significance of this variant remains unclear.

Labcorp Genetics (formerly Invitae), Labcorp
Classification: Uncertain significance for Familial adenomatous polyposis 2. Last evaluated: 2024-04-06. Review status: criteria provided, single submitter. Criteria: Invitae Variant Classification Sherloc (09022015). Collection method: clinical testing. Allele origin: germline.
Comment: This sequence change replaces glutamine, which is neutral and polar, with proline, which is neutral and non-polar, at codon 160 of the MUTYH protein (p.Gln160Pro). This variant is not present in population databases (gnomAD no frequency). This variant has not been reported in the literature in individuals affected with MUTYH-related conditions. ClinVar contains an entry for this variant (Variation ID: 628512). An algorithm developed to predict the effect of missense changes on protein structure and function (PolyPhen-2) suggests that this variant is likely to be tolerated. In summary, the available evidence is currently insufficient to determine the role of this variant in disease. Therefore, it has been classified as a Variant of Uncertain Significance.

Color Diagnostics, LLC DBA Color Health
Classification: Uncertain significance for Hereditary cancer-predisposing syndrome. Last evaluated: 2023-12-04. Review status: criteria provided, single submitter. Criteria: ACMG Guidelines, 2015. Collection method: clinical testing. Allele origin: germline.
Comment: This missense variant replaces glutamine with proline at codon 160 of the MUTYH protein. Computational prediction suggests that this variant may not impact protein structure and function (internally defined REVEL score threshold <= 0.5, PMID: 27666373). To our knowledge, functional studies have not been reported for this variant. This variant has not been reported in individuals affected with MUTYH-related disorders in the literature. This variant has not been identified in the general population by the Genome Aggregation Database (gnomAD). The available evidence is insufficient to determine the role of this variant in disease conclusively. Therefore, this variant is classified as a Variant of Uncertain Significance.

NM_001048174.2(MUTYH):c.395A>C (p.Gln132Pro)

Gene: MUTYH (mutY DNA glycosylase; minus strand). Cytogenetic location: 1p34.1.
Variant type: single nucleotide variant.
Coding change: c.395A>C on transcript NM_001048174.2 (MANE Select); coding-DNA position 395, A replaced by C.
Protein change: p.Gln132Pro; replaces glutamine 132 with proline.
Molecular consequence: missense variant. On other transcripts: non-coding transcript variant (2).
Genome position (GRCh38, 1-based): chr1:45,332,943, T>G on the plus strand (A>C on the coding strand, the complement: MUTYH is on the minus strand). VCF-style: chr1-45332943-T-G. GRCh37 (hg19) VCF-style: chr1-45798615-T-G.
Other names: c.395A>C, p.Gln132Pro (NM_001048171.2, NM_001048173.2, NM_001293195.2); c.398A>C, p.Gln133Pro (NM_001048172.2); c.479A>C, p.Gln160Pro (NM_001128425.2); c.440A>C, p.Gln147Pro (NM_001293190.2); c.428A>C, p.Gln143Pro (NM_001293191.2); c.119A>C, p.Gln40Pro (NM_001293192.2, NM_001293196.2); c.50A>C, p.Gln17Pro (NM_001350650.2, NM_001350651.2); c.470A>C, p.Gln157Pro (NM_012222.3); short protein forms Q160P, Q133P, Q157P, Q40P, Q132P, Q147P, Q143P, Q17P.
Identifiers: ClinVar variation 628512 (VCV000628512.8), dbSNP rs1212933615, ClinGen allele CA340135980.
Genomic context (GRCh38, chr1:45,332,943, plus strand): 5'-TGTTCCTATTTCCCCTACCCTAGGGTGGCTCTCACCTCCAGGGAAGCACTGGCCAGGTCC[T>G]GCAGTGTAGGCCACTTCTATAGCCACAGGCAGGCAGAAAGAGACAAGGTCAAGGGTGAAG-3'
Protein context (NP_001041639.1, residues 122-142): TGWMQKWPTL[Gln132Pro]DLASASLEEV